The following is an entry in ClinVar:

ClinVar aggregate classification (germline): Benign/Likely benign. Review status: criteria provided, multiple submitters, no conflicts (2 of 4 stars). 6 submissions from 6 submitters: Benign (1); Likely benign (5). Last evaluated 2025-06-24.

Conditions:
Familial thoracic aortic aneurysm and aortic dissection (TAAD). Also called: Thoracic aortic aneurysms and dissections. Identifiers: Orphanet 91387, MedGen C4707243, MONDO:0019625.
Aortic aneurysm, familial thoracic 4 (AAT4). Also called: AORTIC ANEURYSM/AORTIC DISSECTION AND PATENT DUCTUS ARTERIOSUS. Identifiers: MedGen C1851504, MONDO:0007568, OMIM 132900.

Allele frequency attached by ClinVar (database versions not stated): gnomAD 0.00001 and 0.00002; gnomAD exomes 0.00002 and 0.00004; ExAC 0.00005; TOPMed 0.00005.
gnomAD v4.1: 27 of 1,613,952 alleles (0.0017%); highest among the groups gnomAD compares: Admixed American, 0.0067%; no homozygotes.

Submissions (6):

Labcorp Genetics (formerly Invitae), Labcorp
Classification: Likely benign for Aortic aneurysm, familial thoracic 4. Last evaluated: 2025-06-24. Review status: criteria provided, single submitter. Criteria: Invitae Variant Classification Sherloc (09022015). Collection method: clinical testing. Allele origin: germline.

CeGaT Center for Human Genetics Tuebingen
Classification: Likely benign. Last evaluated: 2024-02-01. Review status: criteria provided, single submitter. Criteria: CeGaT Center For Human Genetics Tuebingen Variant Classification Criteria Version 2. Collection method: clinical testing. Allele origin: germline. Affected: yes. Observed: 1 variant allele.
Comment: MYH11: BP4, BP7

All of Us Research Program, National Institutes of Health
Classification: Likely benign for Familial thoracic aortic aneurysm and aortic dissection. Last evaluated: 2023-08-15. Review status: criteria provided, single submitter. Criteria: ACMG Guidelines, 2015. Collection method: clinical testing. Allele origin: germline. Inheritance: Autosomal dominant inheritance. Observed: 2 variant alleles, 2 heterozygotes.
Comment: This study involves interpretation of variants in research participants for the purpose of population health screening. Participant phenotype was not available at the time of variant classification. Additional details can be found in publication PMID: 35346344, PMCID: PMC8962531

Ambry Genetics
Classification: Likely benign for Familial thoracic aortic aneurysm and aortic dissection. Last evaluated: 2022-05-09. Review status: criteria provided, single submitter. Criteria: Ambry Variant Classification Scheme 2023. Collection method: clinical testing. Allele origin: germline.

Women's Health and Genetics/Laboratory Corporation of America, LabCorp
Classification: Benign. Last evaluated: 2019-05-06. Review status: criteria provided, single submitter. Criteria: LabCorp Variant Classification Summary - May 2015. Collection method: clinical testing. Allele origin: germline.
Comment: Variant summary: MYH11 c.2382C>T alters a non-conserved nucleotide resulting in a synonymous change. 5/5 computational tools predict no significant impact on normal splicing. However, these predictions have yet to be confirmed by functional studies. The variant allele was found at a frequency of 4.4e-05 in 251492 control chromosomes (gnomAD). The observed variant frequency is approximately 35 fold of the estimated maximal expected allele frequency for a pathogenic variant in MYH11 causing Aortopathy phenotype (1.3e-06), strongly suggesting that the variant is benign. To our knowledge, no occurrence of c.2382C>T in individuals affected with Aortopathy and no experimental evidence demonstrating its impact on protein function have been reported. One clinical diagnostic laboratory has submitted clinical-significance assessments for this variant to ClinVar after 2014 without evidence for independent evaluation and classified the variant as likely benign. Based on the evidence outlined above, the variant was classified as benign.

Color Diagnostics, LLC DBA Color Health
Classification: Likely benign for Familial thoracic aortic aneurysm and aortic dissection. Last evaluated: 2018-10-16. Review status: criteria provided, single submitter. Criteria: ACMG Guidelines, 2015. Collection method: clinical testing. Allele origin: germline.

NM_002474.3(MYH11):c.2361C>T (p.Thr787=)

Gene: MYH11 (myosin heavy chain 11; minus strand). Cytogenetic location: 16p13.11.
Variant type: single nucleotide variant.
Coding change: c.2361C>T on transcript NM_002474.3 (MANE Select); coding-DNA position 2361, C replaced by T.
Protein change: p.Thr787=; no amino-acid change (threonine 787 retained).
Molecular consequence: synonymous variant.
Genome position (GRCh38, 1-based): chr16:15,747,620, G>A on the plus strand (C>T on the coding strand, the complement: MYH11 is on the minus strand). VCF-style: chr16-15747620-G-A. GRCh37 (hg19) VCF-style: chr16-15841477-G-A.
Other names: c.2382C>T, p.Thr794= (NM_001040113.2, NM_001040114.2); c.2361C>T, p.Thr787= (NM_022844.3).
Identifiers: ClinVar variation 534163 (VCV000534163.38), dbSNP rs763003023, ClinGen allele CA7922308.